The following is an entry in ClinVar:

NC_000013.10:g.(?_101728204)_(101728312_?)del

Gene: NALCN (sodium leak channel, non-selective; minus strand). Cytogenetic location: 13q33.1.
Variant type: Deletion.
Identifiers: ClinVar variation 3244223 (VCV003244223.1).

ClinVar aggregate classification (germline): Uncertain significance (1 of 4 stars; one submission).

Submission:

Labcorp Genetics (formerly Invitae), Labcorp
Classification: Uncertain significance. Last evaluated: 2022-10-26. Review status: criteria provided, single submitter. Criteria: Invitae Variant Classification Sherloc (09022015). Collection method: clinical testing. Allele origin: unknown.
Comment: Experimental studies and prediction algorithms are not available or were not evaluated, and the functional significance of this variant is currently unknown. In summary, the available evidence is currently insufficient to determine the role of this variant in disease. Therefore, it has been classified as a Variant of Uncertain Significance. This variant has not been reported in the literature in individuals affected with NALCN-related conditions. This variant is a gross deletion of the genomic region encompassing exon(s) 35 of the NALCN gene. This variant would be expected to be in-frame, preserving the integrity of the reading frame.